The following is an entry in ClinVar:

NM_005422.4(TECTA):c.6017A>G (p.Asp2006Gly)

Genes: TBCEL-TECTA (TBCEL-TECTA readthrough; plus strand), TECTA (tectorin alpha; plus strand). Cytogenetic location: 11q23.3.
Variant type: single nucleotide variant.
Coding change: c.6017A>G on transcript NM_005422.4 (MANE Select); coding-DNA position 6017, A replaced by G.
Protein change: p.Asp2006Gly; replaces aspartic acid 2006 with glycine.
Molecular consequence: missense variant.
Genome position (GRCh38, 1-based): chr11:121,187,849, A>G. VCF-style: chr11-121187849-A-G. GRCh37 (hg19) VCF-style: chr11-121058558-A-G.
Other names: c.6959A>G, p.Asp2320Gly (NM_001378761.1); short protein forms D2006G, D2320G.
Identifiers: ClinVar variation 236033 (VCV000236033.9), dbSNP rs878853224, ClinGen allele CA10581507.

ClinVar aggregate classification (germline): Pathogenic/Likely pathogenic. Review status: criteria provided, multiple submitters, no conflicts (2 of 4 stars). 4 submissions from 4 submitters: Pathogenic (1); Likely pathogenic (2). 1 of the submissions does not count toward it. Last evaluated 2024-12-13.

Conditions:
TECTA-related disorder. Also called: TECTA-related condition.
Autosomal dominant nonsyndromic hearing loss 12. Also called: DEAFNESS, AUTOSOMAL DOMINANT 8. Identifiers: Orphanet 90635, MedGen C1832187, MONDO:0011102, OMIM 601543.

Allele frequency attached by ClinVar (database versions not stated): gnomAD exomes below 0.00001.
gnomAD v4.1: 1 of 1,614,238 alleles (0.000062%); highest among the groups gnomAD compares: Non-Finnish European, 0.000085%; no homozygotes.

Submissions (4):

GeneDx
Classification: Likely pathogenic. Last evaluated: 2024-12-13. Review status: criteria provided, single submitter. Criteria: GeneDx Variant Classification Process June 2021. Collection method: clinical testing. Allele origin: germline. Affected: yes.
Comment: Not observed at significant frequency in large population cohorts (gnomAD); In silico analysis indicates that this missense variant does not alter protein structure/function; This variant is associated with the following publications: (PMID: 33111345, 21520338, 31554319, 9590290, 16718611)

Labcorp Genetics (formerly Invitae), Labcorp
Classification: Pathogenic. Last evaluated: 2024-01-02. Review status: criteria provided, single submitter. Criteria: Invitae Variant Classification Sherloc (09022015). Collection method: clinical testing. Allele origin: germline.
Comment: This sequence change replaces aspartic acid, which is acidic and polar, with glycine, which is neutral and non-polar, at codon 2006 of the TECTA protein (p.Asp2006Gly). This variant is not present in population databases (gnomAD no frequency). This missense change has been observed in individual(s) with autosomal dominant deafness (PMID: 33111345). It has also been observed to segregate with disease in related individuals. ClinVar contains an entry for this variant (Variation ID: 236033). Advanced modeling of protein sequence and biophysical properties (such as structural, functional, and spatial information, amino acid conservation, physicochemical variation, residue mobility, and thermodynamic stability) has been performed at Invitae for this missense variant, however the output from this modeling did not meet the statistical confidence thresholds required to predict the impact of this variant on TECTA protein function. This variant disrupts the p.Asp2006 amino acid residue in TECTA. Other variant(s) that disrupt this residue have been determined to be pathogenic (PMID: 25008054). This suggests that this residue is clinically significant, and that variants that disrupt this residue are likely to be disease-causing. For these reasons, this variant has been classified as Pathogenic.

Blueprint Genetics
Classification: Likely pathogenic for TECTA-related disorders. Last evaluated: 2020-10-01. Review status: criteria provided, single submitter. Criteria: ACMG Guidelines, 2015. Collection method: clinical testing. Allele origin: germline. Affected: yes. Observed: 1 variant allele.

Laboratory of Prof. Karen Avraham, Tel Aviv University
Classification: Pathogenic for Autosomal dominant nonsyndromic hearing loss 12. Last evaluated: 2016-02-16. Review status: no assertion criteria provided. Collection method: research. Allele origin: germline. Affected: yes. Not counted in ClinVar's aggregate classification.
Comment: Early childhood onset, moderate-severe HL

NSHL; dominant, DFNA12

Literature cited by the submitters: PubMed 33111345 (cited by Labcorp Genetics (formerly Invitae), Labcorp); PubMed 25008054 (cited by Labcorp Genetics (formerly Invitae), Labcorp).